The following is an entry in ClinVar:

NM_005076.5(CNTN2):c.2491G>A (p.Val831Met)

Gene: CNTN2 (contactin 2; plus strand). Cytogenetic location: 1q32.1.
Variant type: single nucleotide variant.
Coding change: c.2491G>A on transcript NM_005076.5 (MANE Select); coding-DNA position 2491, G replaced by A.
Protein change: p.Val831Met; replaces valine 831 with methionine.
Molecular consequence: missense variant. On other transcripts: non-coding transcript variant (1).
Genome position (GRCh38, 1-based): chr1:205,070,485, G>A. VCF-style: chr1-205070485-G-A. GRCh37 (hg19) VCF-style: chr1-205039613-G-A.
Other names: c.2491G>A, p.Val831Met (NM_001346083.2); short protein forms V831M.
Identifiers: ClinVar variation 2051855 (VCV002051855.1), dbSNP rs745457520, ClinGen allele CA1351709.

ClinVar aggregate classification (germline): Uncertain significance (1 of 4 stars; one submission).

Conditions:
Epilepsy, familial adult myoclonic, 5 (EPEO5). Also called: CORTICAL MYOCLONIC TREMOR WITH EPILEPSY, FAMILIAL, 5. Identifiers: Orphanet 86814, MedGen C3809374, MONDO:0014167, OMIM 615400.

Allele frequency attached by ClinVar (database versions not stated): ExAC 0.00001; gnomAD 0.00002; TOPMed 0.00002; gnomAD exomes 0.00003.
gnomAD v4.1: 42 of 1,613,942 alleles (0.0026%); highest among the groups gnomAD compares: Non-Finnish European, 0.0032%; no homozygotes.

Submission:

Labcorp Genetics (formerly Invitae), Labcorp
Classification: Uncertain significance for Epilepsy, familial adult myoclonic, 5. Last evaluated: 2022-04-23. Review status: criteria provided, single submitter. Criteria: Invitae Variant Classification Sherloc (09022015). Collection method: clinical testing. Allele origin: germline.
Comment: This sequence change replaces valine, which is neutral and non-polar, with methionine, which is neutral and non-polar, at codon 831 of the CNTN2 protein (p.Val831Met). This variant is present in population databases (rs745457520, gnomAD 0.004%). This variant has not been reported in the literature in individuals affected with CNTN2-related conditions. Advanced modeling of protein sequence and biophysical properties (such as structural, functional, and spatial information, amino acid conservation, physicochemical variation, residue mobility, and thermodynamic stability) performed at Invitae indicates that this missense variant is not expected to disrupt CNTN2 protein function. In summary, the available evidence is currently insufficient to determine the role of this variant in disease. Therefore, it has been classified as a Variant of Uncertain Significance.